The following is an entry in ClinVar:

ClinVar aggregate classification (germline): Uncertain significance (1 of 4 stars; one submission).

Conditions:
Epilepsy, progressive myoclonic, 1B. Also called: PME. Identifiers: Orphanet 308, MedGen C2676254, MONDO:0012904, OMIM 612437.

Allele frequency attached by ClinVar (database versions not stated): gnomAD exomes below 0.00001 and 0.00001; ExAC 0.00001.
gnomAD v4.1: 6 of 1,614,214 alleles (0.00037%); highest among the groups gnomAD compares: Non-Finnish European, 0.00051%; no homozygotes.

Submission:

Labcorp Genetics (formerly Invitae), Labcorp
Classification: Uncertain significance for Epilepsy, progressive myoclonic, 1B. Last evaluated: 2022-10-17. Review status: criteria provided, single submitter. Criteria: Invitae Variant Classification Sherloc (09022015). Collection method: clinical testing. Allele origin: germline.
Comment: In summary, the available evidence is currently insufficient to determine the role of this variant in disease. Therefore, it has been classified as a Variant of Uncertain Significance. Advanced modeling of protein sequence and biophysical properties (such as structural, functional, and spatial information, amino acid conservation, physicochemical variation, residue mobility, and thermodynamic stability) performed at Invitae indicates that this missense variant is not expected to disrupt PRICKLE1 protein function. ClinVar contains an entry for this variant (Variation ID: 1386207). This variant has not been reported in the literature in individuals affected with PRICKLE1-related conditions. This variant is present in population databases (rs780974681, gnomAD 0.002%). This sequence change replaces tyrosine, which is neutral and polar, with histidine, which is basic and polar, at codon 247 of the PRICKLE1 protein (p.Tyr247His).

NM_153026.3(PRICKLE1):c.739T>C (p.Tyr247His)

Gene: PRICKLE1 (prickle planar cell polarity protein 1; minus strand). Cytogenetic location: 12q12.
Variant type: single nucleotide variant.
Coding change: c.739T>C on transcript NM_153026.3 (MANE Select); coding-DNA position 739, T replaced by C.
Protein change: p.Tyr247His; replaces tyrosine 247 with histidine.
Molecular consequence: missense variant.
Genome position (GRCh38, 1-based): chr12:42,466,230, A>G on the plus strand (T>C on the coding strand, the complement: PRICKLE1 is on the minus strand). VCF-style: chr12-42466230-A-G. GRCh37 (hg19) VCF-style: chr12-42860032-A-G.
Other names: c.739T>C, p.Tyr247His (NM_001144881.2, NM_001144882.2, NM_001144883.2); short protein forms Y247H.
Identifiers: ClinVar variation 1386207 (VCV001386207.8), dbSNP rs780974681, ClinGen allele CA6519853.
Genomic context (GRCh38, chr12:42,466,230, plus strand): 5'-CAGACGGGCTGGCTGTGGACTTACCAATATGTTCCCCACAGGTTTCACAGTACTCCGCAT[A>G]GAGAGACTCAAAACAGCCACAGCAGAAGGGGCGGCCGTCCTTCATGATATACCTCTGTCC-3'
Protein context (NP_694571.2, residues 237-257): PFCCGCFESL[Tyr247His]AEYCETCGEH